The following is an entry in ClinVar:

ClinVar aggregate classification (germline): Benign/Likely benign. Review status: criteria provided, multiple submitters, no conflicts (2 of 4 stars). 4 submissions from 4 submitters: Benign (1); Likely benign (3). Last evaluated 2025-06-27.

Conditions:
Tuberous sclerosis 1 (TSC1). Identifiers: Orphanet 805, MedGen C1854465, MONDO:0008612, OMIM 191100.
Hereditary cancer-predisposing syndrome. Also called: Tumor predisposition; Hereditary neoplastic syndrome; Hereditary Cancer Syndrome; Neoplastic Syndromes, Hereditary. Identifiers: Orphanet 140162, MedGen C0027672, MeSH D009386, MONDO:0015356.
Tuberous sclerosis syndrome (TSC). Also called: Tuberous Sclerosis Complex; Tuberous sclerosis. Identifiers: Orphanet 805, MedGen C0041341, MONDO:0001734.

gnomAD v4.1: 1 of 1,612,712 alleles (0.000062%); highest among the groups gnomAD compares: Non-Finnish European, 0.000085%; no homozygotes.

Submissions (4):

Labcorp Genetics (formerly Invitae), Labcorp
Classification: Likely benign for Tuberous sclerosis 1. Last evaluated: 2025-06-27. Review status: criteria provided, single submitter. Criteria: Invitae Variant Classification Sherloc (09022015). Collection method: clinical testing. Allele origin: germline.

Ambry Genetics
Classification: Likely benign for Hereditary cancer-predisposing syndrome. Last evaluated: 2025-05-06. Review status: criteria provided, single submitter. Criteria: Ambry Variant Classification Scheme 2023. Collection method: clinical testing. Allele origin: germline.

Myriad Genetics, Inc.
Classification: Benign for Tuberous sclerosis 1. Last evaluated: 2025-04-10. Review status: criteria provided, single submitter. Criteria: Myriad Autosomal Dominant, Autosomal Recessive and X-Linked Classification Criteria (2023). Collection method: clinical testing. Allele origin: unknown.
Comment: This variant is considered benign. This variant is a silent/synonymous amino acid change and it is not expected to impact splicing.

All of Us Research Program, National Institutes of Health
Classification: Likely benign for Tuberous sclerosis syndrome. Last evaluated: 2023-05-15. Review status: criteria provided, single submitter. Criteria: ACMG Guidelines, 2015. Collection method: clinical testing. Allele origin: germline. Inheritance: Autosomal dominant inheritance. Observed: 1 variant allele, 1 heterozygote.
Comment: This study involves interpretation of variants in research participants for the purpose of population health screening. Participant phenotype was not available at the time of variant classification. Additional details can be found in publication PMID: 35346344, PMCID: PMC8962531

NM_000368.5(TSC1):c.1713A>G (p.Glu571=)

Gene: TSC1 (TSC complex subunit 1; minus strand). Cytogenetic location: 9q34.13.
Variant type: single nucleotide variant.
Coding change: c.1713A>G on transcript NM_000368.5 (MANE Select); coding-DNA position 1713, A replaced by G.
Protein change: p.Glu571=; no amino-acid change (glutamic acid 571 retained).
Molecular consequence: synonymous variant.
Genome position (GRCh38, 1-based): chr9:132,905,865, T>C on the plus strand (A>G on the coding strand, the complement: TSC1 is on the minus strand). VCF-style: chr9-132905865-T-C. GRCh37 (hg19) VCF-style: chr9-135781252-T-C.
Other names: c.1710A>G, p.Glu570= (NM_001162426.2); c.1560A>G, p.Glu520= (NM_001162427.2); c.1350A>G, p.Glu450= (NM_001362177.2).
Identifiers: ClinVar variation 700550 (VCV000700550.12), dbSNP rs1588309781, ClinGen allele CA467813427.